The following is an entry in ClinVar:

ClinVar aggregate classification (germline): Uncertain significance (1 of 4 stars; one submission).

Allele frequency attached by ClinVar (database versions not stated): gnomAD exomes 0.00001; ExAC 0.00002.
gnomAD v4.1: 3 of 1,593,362 alleles (0.00019%); highest among the groups gnomAD compares: Non-Finnish European, 0.00026%; no homozygotes.

Submission:

Ambry Genetics
Classification: Uncertain significance. Last evaluated: 2022-06-12. Review status: criteria provided, single submitter. Criteria: Ambry Variant Classification Scheme 2023. Collection method: clinical testing. Allele origin: germline.
Comment: The p.L831V variant (also known as c.2491T>G), located in coding exon 22 of the PRKDC gene, results from a T to G substitution at nucleotide position 2491. The leucine at codon 831 is replaced by valine, an amino acid with highly similar properties. This amino acid position is conserved. In addition, this alteration is predicted to be tolerated by in silico analysis. Since supporting evidence is limited at this time, the clinical significance of this alteration remains unclear.

NM_006904.7(PRKDC):c.2491T>G (p.Leu831Val)

Gene: PRKDC (protein kinase, DNA-activated, catalytic subunit; minus strand). Cytogenetic location: 8q11.21.
Variant type: single nucleotide variant.
Coding change: c.2491T>G on transcript NM_006904.7 (MANE Select); coding-DNA position 2491, T replaced by G.
Protein change: p.Leu831Val; replaces leucine 831 with valine.
Molecular consequence: missense variant.
Genome position (GRCh38, 1-based): chr8:47,918,312, A>C on the plus strand (T>G on the coding strand, the complement: PRKDC is on the minus strand). VCF-style: chr8-47918312-A-C. GRCh37 (hg19) VCF-style: chr8-48830872-A-C.
Other names: c.2491T>G, p.Leu831Val (NM_001081640.2); short protein forms L831V.
Identifiers: ClinVar variation 1792082 (VCV001792082.2), dbSNP rs762313378, ClinGen allele CA4741444.